The following is an entry in ClinVar:

ClinVar aggregate classification (germline): Uncertain significance. Review status: criteria provided, multiple submitters, no conflicts (2 of 4 stars). 2 submissions from 2 submitters: Uncertain significance (2). Last evaluated 2024-07-01.

Submissions (2):

Labcorp Genetics (formerly Invitae), Labcorp
Classification: Uncertain significance. Last evaluated: 2024-07-01. Review status: criteria provided, single submitter. Criteria: Invitae Variant Classification Sherloc (09022015). Collection method: clinical testing. Allele origin: germline.
Comment: This sequence change replaces proline, which is neutral and non-polar, with glutamine, which is neutral and polar, at codon 607 of the CLCN4 protein (p.Pro607Gln). This variant is not present in population databases (gnomAD no frequency). This variant has not been reported in the literature in individuals affected with CLCN4-related conditions. ClinVar contains an entry for this variant (Variation ID: 1331147). Advanced modeling of protein sequence and biophysical properties (such as structural, functional, and spatial information, amino acid conservation, physicochemical variation, residue mobility, and thermodynamic stability) has been performed at Invitae for this missense variant, however the output from this modeling did not meet the statistical confidence thresholds required to predict the impact of this variant on CLCN4 protein function. In summary, the available evidence is currently insufficient to determine the role of this variant in disease. Therefore, it has been classified as a Variant of Uncertain Significance.

GeneDx
Classification: Uncertain significance. Last evaluated: 2024-04-08. Review status: criteria provided, single submitter. Criteria: GeneDx Variant Classification Process June 2021. Collection method: clinical testing. Allele origin: germline. Affected: yes.
Comment: Not observed at significant frequency in large population cohorts (gnomAD); In silico analysis supports that this missense variant has a deleterious effect on protein structure/function; Has not been previously published as pathogenic or benign to our knowledge; This variant is associated with the following publications: (PMID: 27535533)

NM_001830.4(CLCN4):c.1820C>A (p.Pro607Gln)

Gene: CLCN4 (Cl-/H+ antiporter 4; plus strand). Cytogenetic location: Xp22.2.
Variant type: single nucleotide variant.
Coding change: c.1820C>A on transcript NM_001830.4 (MANE Select); coding-DNA position 1820, C replaced by A.
Protein change: p.Pro607Gln; replaces proline 607 with glutamine.
Molecular consequence: missense variant.
Genome position (GRCh38, 1-based): chrX:10,213,924, C>A. VCF-style: chrX-10213924-C-A. GRCh37 (hg19) VCF-style: chrX-10181964-C-A.
Other names: c.1538C>A, p.Pro513Gln (NM_001256944.2); short protein forms P513Q, P607Q.
Identifiers: ClinVar variation 1331147 (VCV001331147.8), dbSNP rs1042357480, ClinGen allele CA412042679.
Genomic context (GRCh38, chrX:10,213,924, plus strand): 5'-AGGACGAGTTTACTCACCGCACACTGGCCACCGACGTCATGCGGCCCCGGCGGGGAGAGC[C>A]GCCACTGTCGGTGCTCACCCAGGACAGCATGACTGTCGAGGACGTGGAGACGCTCATCAA-3'
Protein context (NP_001821.2, residues 597-617): TDVMRPRRGE[Pro607Gln]PLSVLTQDSM